The following is an entry in ClinVar:

NM_003193.5(TBCE):c.555T>G (p.Asn185Lys)

Gene: TBCE (tubulin folding cofactor E; plus strand). Cytogenetic location: 1q42.3.
Variant type: single nucleotide variant.
Coding change: c.555T>G on transcript NM_003193.5 (MANE Select); coding-DNA position 555, T replaced by G.
Protein change: p.Asn185Lys; replaces asparagine 185 with lysine.
Molecular consequence: missense variant.
Genome position (GRCh38, 1-based): chr1:235,427,234, T>G. VCF-style: chr1-235427234-T-G. GRCh37 (hg19) VCF-style: chr1-235590549-T-G.
Other names: c.555T>G, p.Asn185Lys (NM_001079515.3, NM_001287801.2); c.216T>G, p.Asn72Lys (NM_001287802.2); short protein forms N72K, N185K.
Identifiers: ClinVar variation 1964413 (VCV001964413.5), dbSNP rs1450537235, ClinGen allele CA344930793.
Genomic context (GRCh38, chr1:235,427,234, plus strand): 5'-GTCATCATGGGATGAAGTGATACACATTGCTGATCAGCTCAGACACCTGGAAGTCCTTAA[T>G]GTCAGGTATGAACTCTTGGTTGCTGAATCTTCATTAACAATAAAGCTCATCTCTCCTTGC-3'
Protein context (NP_003184.1, residues 175-195): ADQLRHLEVL[Asn185Lys]VSENKLKFPS

ClinVar aggregate classification (germline): Uncertain significance (1 of 4 stars; one submission).

Allele frequency attached by ClinVar (database versions not stated): TOPMed below 0.00001.

Submission:

Labcorp Genetics (formerly Invitae), Labcorp
Classification: Uncertain significance. Last evaluated: 2022-03-14. Review status: criteria provided, single submitter. Criteria: Invitae Variant Classification Sherloc (09022015). Collection method: clinical testing. Allele origin: germline.
Comment: In summary, the available evidence is currently insufficient to determine the role of this variant in disease. Therefore, it has been classified as a Variant of Uncertain Significance. Algorithms developed to predict the effect of sequence changes on RNA splicing suggest that this variant may create or strengthen a splice site. Algorithms developed to predict the effect of missense changes on protein structure and function are either unavailable or do not agree on the potential impact of this missense change (SIFT: "Deleterious"; PolyPhen-2: "Benign"; Align-GVGD: "Class C0"). This variant has not been reported in the literature in individuals affected with TBCE-related conditions. This variant is not present in population databases (gnomAD no frequency). This sequence change replaces asparagine, which is neutral and polar, with lysine, which is basic and polar, at codon 185 of the TBCE protein (p.Asn185Lys).